The following is an entry in ClinVar:

NM_172107.4(KCNQ2):c.1887+5G>A

Gene: KCNQ2 (potassium voltage-gated channel subfamily Q member 2; minus strand). Cytogenetic location: 20q13.33.
Variant type: single nucleotide variant.
Coding change: c.1887+5G>A on transcript NM_172107.4 (MANE Select); 5 bases into the intron after coding-DNA position 1887, G replaced by A.
Molecular consequence: intron variant.
Genome position (GRCh38, 1-based): chr20:63,408,408, C>T on the plus strand (G>A on the coding strand, the complement: KCNQ2 is on the minus strand). VCF-style: chr20-63408408-C-T. GRCh37 (hg19) VCF-style: chr20-62039761-C-T.
Other names: c.1803+5G>A (NM_004518.6); c.1794+5G>A (NM_172108.5); c.1833+5G>A (NM_172106.3).
Identifiers: ClinVar variation 282026 (VCV000282026.22), dbSNP rs777916008, ClinGen allele CA9958228.

ClinVar aggregate classification (germline): Conflicting classifications of pathogenicity. Review status: criteria provided, conflicting classifications (1 of 4 stars). 8 submissions from 8 submitters: Likely pathogenic (1); Uncertain significance (5). 2 of the submissions do not count toward it. Last evaluated 2026-01-05.

Conditions:
Early-infantile DEE. Also called: Ohtahara syndrome; Early infantile epileptic encephalopathy with suppression bursts; Early infantile epileptic encephalopathy. Identifiers: Orphanet 1934, MedGen C0393706, MONDO:0800491.
Seizures, benign familial neonatal, 1. Also called: Benign Neonatal Epilepsy 1; KCNQ2-Related Self-Limited Familial Neonatal Epilepsy (SLFNE); KCNQ2-Related Benign Familial Neonatal Epilepsy; Seizures, benign neonatal, 1. Identifiers: Orphanet 1949, MedGen C3149074, MONDO:0007365, OMIM 121200.
Seizure. Also called: Seizures. Identifiers: MedGen C0036572, HP:0001250.

Allele frequency attached by ClinVar (database versions not stated): gnomAD exomes 0.00002 and 0.00003; ExAC 0.00003; gnomAD 0.00004 and 0.00005; TOPMed 0.00004.
gnomAD v4.1: 58 of 1,607,428 alleles (0.0036%); highest among the groups gnomAD compares: Non-Finnish European, 0.0045%; no homozygotes.

Submissions (8):

Labcorp Genetics (formerly Invitae), Labcorp
Classification: Likely pathogenic for Early-infantile DEE. Last evaluated: 2026-01-05. Review status: criteria provided, single submitter. Criteria: Invitae Variant Classification Sherloc (09022015). Collection method: clinical testing. Allele origin: germline.
Comment: This sequence change falls in intron 16 of the KCNQ2 gene. It does not directly change the encoded amino acid sequence of the KCNQ2 protein. It affects a nucleotide within the consensus splice site. This variant is present in population databases (rs777916008, gnomAD 0.005%). This variant has been observed in individuals with early onset seizures (PMID: 23360469, 29655203; internal data). ClinVar contains an entry for this variant (Variation ID: 282026). Variants that disrupt the consensus splice site are a relatively common cause of aberrant splicing (PMID: 17576681, 9536098). Algorithms developed to predict the effect of sequence changes on RNA splicing suggest that this variant is not likely to affect RNA splicing. In summary, the currently available evidence indicates that the variant is pathogenic, but additional data are needed to prove that conclusively. Therefore, this variant has been classified as Likely Pathogenic.

Blueprint Genetics
Classification: Uncertain significance. Last evaluated: 2024-11-04. Review status: criteria provided, single submitter. Criteria: ACMG Guidelines, 2015. Collection method: clinical testing. Allele origin: germline.

Revvity Omics, Revvity
Classification: Uncertain significance. Last evaluated: 2023-01-11. Review status: criteria provided, single submitter. Criteria: ACMG Guidelines, 2015. Collection method: clinical testing. Allele origin: germline.

GeneDx
Classification: Uncertain significance. Last evaluated: 2020-07-02. Review status: criteria provided, single submitter. Criteria: GeneDx Variant Classification Process June 2021. Collection method: clinical testing. Allele origin: germline. Affected: yes.
Comment: Intronic +5 splice site variant in a gene for which loss-of-function is a known mechanism of disease, and both splice predictors and evolutionary conservation support a deleterious effect, although in the absence of functional evidence the actual effect of this sequence change is unknown.; This variant is associated with the following publications: (PMID: 23360469, 28717674, 29655203, 20437616)

CeGaT Center for Human Genetics Tuebingen
Classification: Uncertain significance. Last evaluated: 2016-07-31. Review status: criteria provided, single submitter. Criteria: Praxis fuer Humangenetik Tuebingen - Variant Classification Criteria. Collection method: clinical testing. Allele origin: germline. Affected: yes. Observed: 1 variant allele.

Eurofins Ntd Llc (ga)
Classification: Uncertain significance. Last evaluated: 2015-08-10. Review status: criteria provided, single submitter. Criteria: EGL Classification Definitions 2015. Collection method: clinical testing. Allele origin: germline. Observed: 2 variant alleles, 2 heterozygotes.

Diagnostic Laboratory, Strasbourg University Hospital
Classification: Uncertain significance for Seizure. Review status: no assertion criteria provided. Collection method: clinical testing. Allele origin: paternal. Affected: yes. Observed: 1 heterozygote. Not counted in ClinVar's aggregate classification.

GeneReviews
No classification provided. Condition: Seizures, benign familial neonatal, 1. Review status: no classification provided. Collection method: literature only. Allele origin: germline. Affected: yes. Not counted in ClinVar's aggregate classification.
Comment: BFNIS (benign familial neonatal-infantile seizures); FS (febrile seizures)

Literature cited by the submitters: PubMed 23360469 (cited by Labcorp Genetics (formerly Invitae), Labcorp and GeneReviews); PubMed 29655203 (cited by Labcorp Genetics (formerly Invitae), Labcorp); PubMed 17576681 (cited by Labcorp Genetics (formerly Invitae), Labcorp); PubMed 9536098 (cited by Labcorp Genetics (formerly Invitae), Labcorp); NCBI Bookshelf NBK32534 (cited by GeneReviews).